The following is an entry in ClinVar:

NM_000218.3(KCNQ1):c.504del (p.Thr169fs)

Gene: KCNQ1 (potassium voltage-gated channel subfamily Q member 1; plus strand). Cytogenetic location: 11p15.5.
Variant type: Deletion.
Coding change: c.504del on transcript NM_000218.3 (MANE Select); coding-DNA position 504, one base deleted (G; older notation c.504delG).
Protein change: p.Thr169fs; shifts the reading frame from threonine 169.
Molecular consequence: frameshift variant.
Genome position (GRCh38, 1-based): chr11:2,570,654, G deleted; the last of 3 consecutive G bases (chr11:2,570,652-2,570,654); deleting any one gives the same sequence. VCF-style (leftmost placement, unchanged base first): chr11-2570651-CG-C. GRCh37 (hg19) VCF-style: chr11-2591881-CG-C.
Other names: c.504delG, p.Thr169Argfs (NM_000218.2, NM_001406836.1); c.234delG, p.Thr79Argfs (NM_001406837.1); c.123delG, p.Thr42Argfs (NM_181798.2); short protein forms T169fs, T42fs.
Identifiers: ClinVar variation 53054 (VCV000053054.15), dbSNP rs397508114, ClinGen allele CA007282.

ClinVar aggregate classification (germline): Pathogenic. Review status: criteria provided, multiple submitters, no conflicts (2 of 4 stars). 4 submissions from 4 submitters: Pathogenic (3). 1 of the submissions does not count toward it. Last evaluated 2025-09-14.

Conditions:
Long QT syndrome (LQTS). Identifiers: MedGen C0023976, MeSH D008133, MONDO:0002442. Disease mechanism: loss of function. Inheritance: Various modes of inheritance.
Long QT syndrome 1 (LQT1). Identifiers: Orphanet 101016, Orphanet 768, MedGen C4551647, MONDO:0100316, OMIM 192500, MONDO:0008646.
Cardiovascular phenotype. Identifiers: MedGen CN230736.

Submissions (4):

Labcorp Genetics (formerly Invitae), Labcorp
Classification: Pathogenic for Long QT syndrome. Last evaluated: 2025-09-14. Review status: criteria provided, single submitter. Criteria: Invitae Variant Classification Sherloc (09022015). Collection method: clinical testing. Allele origin: germline.
Comment: This sequence change creates a premature translational stop signal (p.Thr169Argfs*68) in the KCNQ1 gene. It is expected to result in an absent or disrupted protein product. Loss-of-function variants in KCNQ1 are known to be pathogenic (PMID: 9323054, 19862833). This variant is present in population databases (rs397508114, gnomAD 0.0009%). This premature translational stop signal has been observed in individual(s) with long QT syndrome (PMID: 10737999). ClinVar contains an entry for this variant (Variation ID: 53054). For these reasons, this variant has been classified as Pathogenic.

GeneDx
Classification: Pathogenic. Last evaluated: 2025-02-05. Review status: criteria provided, single submitter. Criteria: GeneDx Variant Classification Process June 2021. Collection method: clinical testing. Allele origin: germline. Affected: yes.
Comment: Identified in patients with LQTS referred for genetic testing at GeneDx and in published literature (PMID: 10737999, 19716085); Frameshift variant predicted to result in protein truncation or nonsense mediated decay in a gene for which loss of function is a known mechanism of disease; Not observed at significant frequency in large population cohorts (gnomAD); This variant is associated with the following publications: (PMID: 10737999, 19716085)

Ambry Genetics
Classification: Pathogenic for Cardiovascular phenotype. Last evaluated: 2019-01-01. Review status: criteria provided, single submitter. Criteria: Ambry Variant Classification Scheme 2023. Collection method: clinical testing. Allele origin: germline.
Comment: The c.504delG pathogenic mutation, located in coding exon 3 of the KCNQ1 gene, results from a deletion of one nucleotide at nucleotide position 504, causing a translational frameshift with a predicted alternate stop codon (p.T169Rfs*68). This alteration has been reported in patients with long QT syndrome (Wei J et al. Hum. Mutat., 2000 Apr;15:387-8; Kapplinger JD et al. Heart Rhythm, 2009 Sep;6:1297-303). In addition to the clinical data presented in the literature, this alteration is expected to result in loss of function by premature protein truncation or nonsense-mediated mRNA decay. As such, this alteration is interpreted as a disease-causing mutation.

ClinVar Staff, National Center for Biotechnology Information (NCBI)
No classification provided. Condition: Long QT syndrome, LQT1 subtype. Review status: no classification provided. Collection method: literature only. Allele origin: germline. Affected: yes. Not counted in ClinVar's aggregate classification.

Literature cited by the submitters: PubMed 9323054 (cited by Labcorp Genetics (formerly Invitae), Labcorp); PubMed 19862833 (cited by Labcorp Genetics (formerly Invitae), Labcorp); PubMed 10737999 (cited by 3 submitters); PubMed 19716085 (cited by Ambry Genetics).